The following is an entry in ClinVar:

NM_001349253.2(SCN11A):c.449C>G (p.Pro150Arg)

Gene: SCN11A (sodium voltage-gated channel alpha subunit 11; minus strand). Cytogenetic location: 3p22.2.
Variant type: single nucleotide variant.
Coding change: c.449C>G on transcript NM_001349253.2 (MANE Select); coding-DNA position 449, C replaced by G.
Protein change: p.Pro150Arg; replaces proline 150 with arginine.
Molecular consequence: missense variant.
Genome position (GRCh38, 1-based): chr3:38,945,450, G>C on the plus strand (C>G on the coding strand, the complement: SCN11A is on the minus strand). VCF-style: chr3-38945450-G-C. GRCh37 (hg19) VCF-style: chr3-38986941-G-C.
Other names: c.449C>G, p.Pro150Arg (NM_014139.3); short protein forms P150R.
Identifiers: ClinVar variation 4791496 (VCV004791496.1).

ClinVar aggregate classification (germline): Uncertain significance (1 of 4 stars; one submission).

Conditions:
Familial episodic pain syndrome with predominantly lower limb involvement. Also called: Episodic pain syndrome, familial, 3. Identifiers: Orphanet 391384, Orphanet 391392, MedGen C3809899, MONDO:0014247, OMIM 615552.
Hereditary sensory and autonomic neuropathy type 7. Also called: HSAN VII; Neuropathy, hereditary sensory and autonomic, type VII. Identifiers: Orphanet 391397, MedGen C3809882, MONDO:0014244, OMIM 615548.

gnomAD v4.1: 2 of 1,606,818 alleles (0.00012%); highest among the groups gnomAD compares: Non-Finnish European, 0.00017%; no homozygotes.

Submission:

Labcorp Genetics (formerly Invitae), Labcorp
Classification: Uncertain significance for Familial episodic pain syndrome with predominantly lower limb involvement; Hereditary sensory and autonomic neuropathy type 7. Last evaluated: 2025-09-27. Review status: criteria provided, single submitter. Criteria: Invitae Variant Classification Sherloc (09022015). Collection method: clinical testing. Allele origin: germline.
Comment: This sequence change replaces proline, which is neutral and non-polar, with arginine, which is basic and polar, at codon 150 of the SCN11A protein (p.Pro150Arg). This variant is not present in population databases (gnomAD no frequency). This variant has not been reported in the literature in individuals affected with SCN11A-related conditions. An algorithm developed to predict the effect of missense changes on protein structure and function outputs the following: PolyPhen-2: "Benign". The arginine amino acid residue is found in multiple mammalian species, which suggests that this missense change does not adversely affect protein function. In summary, the available evidence is currently insufficient to determine the role of this variant in disease. Therefore, it has been classified as a Variant of Uncertain Significance.